The following is an entry in ClinVar:

NM_001006658.3(CR2):c.523C>T (p.Pro175Ser)

Gene: CR2 (complement C3d receptor 2; plus strand). Cytogenetic location: 1q32.2.
Variant type: single nucleotide variant.
Coding change: c.523C>T on transcript NM_001006658.3 (MANE Select); coding-DNA position 523, C replaced by T.
Protein change: p.Pro175Ser; replaces proline 175 with serine.
Molecular consequence: missense variant.
Genome position (GRCh38, 1-based): chr1:207,468,604, C>T. VCF-style: chr1-207468604-C-T. GRCh37 (hg19) VCF-style: chr1-207641949-C-T.
Other names: c.523C>T, p.Pro175Ser (NM_001877.5); short protein forms P175S.
Identifiers: ClinVar variation 1450467 (VCV001450467.6), dbSNP rs1318743912, ClinGen allele CA344525708.
Genomic context (GRCh38, chr1:207,468,604, plus strand): 5'-CCAGCACTTCCTATGATCCACAATGGACATCACACAAGTGAGAATGTTGGCTCCATTGCT[C>T]CAGGATTGTCTGTGACTTACAGCTGTGAATCTGGTTACTTGCTTGTTGGAGAAAAGATCA-3'
Protein context (NP_001006659.1, residues 165-185): HTSENVGSIA[Pro175Ser]GLSVTYSCES

ClinVar aggregate classification (germline): Uncertain significance (1 of 4 stars; one submission).

Conditions:
Immunodeficiency, common variable, 7. Identifiers: Orphanet 1572, Orphanet 696894, MedGen C3542922, MONDO:0013862, OMIM 614699.

Submission:

Labcorp Genetics (formerly Invitae), Labcorp
Classification: Uncertain significance for Immunodeficiency, common variable, 7. Last evaluated: 2023-01-04. Review status: criteria provided, single submitter. Criteria: Invitae Variant Classification Sherloc (09022015). Collection method: clinical testing. Allele origin: germline.
Comment: This variant has not been reported in the literature in individuals affected with CR2-related conditions. This variant is not present in population databases (gnomAD no frequency). This sequence change replaces proline, which is neutral and non-polar, with serine, which is neutral and polar, at codon 175 of the CR2 protein (p.Pro175Ser). ClinVar contains an entry for this variant (Variation ID: 1450467). In summary, the available evidence is currently insufficient to determine the role of this variant in disease. Therefore, it has been classified as a Variant of Uncertain Significance. Algorithms developed to predict the effect of missense changes on protein structure and function output the following: SIFT: "Tolerated"; PolyPhen-2: "Possibly Damaging"; Align-GVGD: "Class C0". The serine amino acid residue is found in multiple mammalian species, which suggests that this missense change does not adversely affect protein function.